The following is an entry in ClinVar:

ClinVar aggregate classification (germline): Uncertain significance (1 of 4 stars; one submission).

Conditions:
POMC-related disorder. Also called: POMC-related disorders; POMC-related condition.

Submission:

PreventionGenetics, part of Exact Sciences
Classification: Uncertain significance for POMC-related condition. Last evaluated: 2026-01-15. Review status: criteria provided, single submitter. Criteria: ACMG Guidelines, 2015. Collection method: clinical testing. Allele origin: germline.
Comment: The POMC c.277A>G variant is predicted to result in the amino acid substitution p.Ser93Gly. This variant was reported in the heterozygous state in a study on obesity, but did not segregate with disease (Challis. 2002. PubMed ID: 12165561). This variant was observed in a cohort of individuals with obesity, and in vitro functional studies showed this variant did not reduce protein function and could cause increased function (Supplemental Data Set 3, Shah et al. 2023. PubMed ID: 36864747). This variant is reported in 0.060% of alleles in individuals of African descent in gnomAD. At this time, the clinical significance of this variant is uncertain due to the absence of conclusive functional and genetic evidence.

NM_000939.4(POMC):c.277A>G (p.Ser93Gly)

Gene: POMC (proopiomelanocortin; minus strand). Cytogenetic location: 2p23.3.
Variant type: single nucleotide variant.
Coding change: c.277A>G on transcript NM_000939.4 (MANE Select); coding-DNA position 277, A replaced by G.
Protein change: p.Ser93Gly; replaces serine 93 with glycine.
Molecular consequence: missense variant.
Genome position (GRCh38, 1-based): chr2:25,161,608, T>C on the plus strand (A>G on the coding strand, the complement: POMC is on the minus strand). VCF-style: chr2-25161608-T-C. GRCh37 (hg19) VCF-style: chr2-25384477-T-C.
Other names: c.277A>G, p.Ser93Gly (NM_001035256.3, NM_001319204.2, NM_001319205.2); short protein forms S93G.
Identifiers: ClinVar variation 3350796 (VCV003350796.2).